The following is an entry in ClinVar:

ClinVar aggregate classification (germline): Likely benign. Review status: criteria provided, single submitter (1 of 4 stars). 2 submissions from 2 submitters: Likely benign (1). 1 of the submissions does not count toward it. Last evaluated 2025-02-06.

Conditions:
ADCY3-related disorder. Also called: ADCY3-related condition.

Allele frequency attached by ClinVar (database versions not stated): gnomAD 0.00002; gnomAD exomes 0.00002; TOPMed 0.00004; ExAC 0.00005.
gnomAD v4.1: 15 of 1,614,110 alleles (0.00093%); highest among the groups gnomAD compares: Admixed American, 0.023%; no homozygotes.

Submissions (2):

Labcorp Genetics (formerly Invitae), Labcorp
Classification: Likely benign. Last evaluated: 2025-02-06. Review status: criteria provided, single submitter. Criteria: Invitae Variant Classification Sherloc (09022015). Collection method: clinical testing. Allele origin: germline.

PreventionGenetics, part of Exact Sciences
Classification: Likely benign for ADCY3-related condition. Last evaluated: 2021-03-23. Review status: no assertion criteria provided. Collection method: clinical testing. Allele origin: germline. Not counted in ClinVar's aggregate classification.
Comment: This variant is classified as likely benign based on ACMG/AMP sequence variant interpretation guidelines (Richards et al. 2015 PMID: 25741868, with internal and published modifications).

NM_004036.5(ADCY3):c.2397T>C (p.Phe799=)

Gene: ADCY3 (adenylate cyclase 3; minus strand). Cytogenetic location: 2p23.3.
Variant type: single nucleotide variant.
Coding change: c.2397T>C on transcript NM_004036.5 (MANE Select); coding-DNA position 2397, T replaced by C.
Protein change: p.Phe799=; no amino-acid change (phenylalanine 799 retained).
Molecular consequence: synonymous variant. On other transcripts: intron variant (1).
Genome position (GRCh38, 1-based): chr2:24,827,937, A>G on the plus strand (T>C on the coding strand, the complement: ADCY3 is on the minus strand). VCF-style: chr2-24827937-A-G. GRCh37 (hg19) VCF-style: chr2-25050806-A-G.
Other names: c.2397T>C (NM_001320613.1); c.2397T>C, p.Phe799= (NM_001320613.2, NM_001377132.1); c.2463T>C, p.Phe821= (NM_001377128.1); c.2259T>C, p.Phe753= (NM_001377129.1); c.1674T>C, p.Phe558= (NM_001377131.1); c.2172+2772T>C (NM_001377130.1).
Identifiers: ClinVar variation 3018581 (VCV003018581.4), dbSNP rs774738640, ClinGen allele CA1553788.